The following is an entry in ClinVar:

ClinVar aggregate classification (germline): Likely benign. Review status: criteria provided, multiple submitters, no conflicts (2 of 4 stars). 3 submissions from 3 submitters: Likely benign (3). Last evaluated 2026-07-14.

Conditions:
BSCL2-related disorder. Also called: BSCL2-related condition; BSCL2-Related Disorders.
Charcot-Marie-Tooth disease type 2. Also called: Charcot-Marie-Tooth type 2. Identifiers: Orphanet 64746, MedGen C0270914, MONDO:0018993.

Allele frequency attached by ClinVar (database versions not stated): gnomAD exomes 0.00001; gnomAD 0.00002; TOPMed 0.00002.
gnomAD v4.1: 19 of 1,601,310 alleles (0.0012%); highest among the groups gnomAD compares: Non-Finnish European, 0.0015%; no homozygotes.

Submissions (3):

PreventionGenetics, part of Exact Sciences
Classification: Likely benign for BSCL2-related condition. Last evaluated: 2026-07-14. Review status: criteria provided, single submitter. Criteria: ACMG Guidelines, 2015. Collection method: clinical testing. Allele origin: germline.
Comment: This variant is classified as likely benign based on ACMG/AMP sequence variant interpretation guidelines (Richards et al. 2015 PMID: 25741868, with internal and published modifications).

Labcorp Genetics (formerly Invitae), Labcorp
Classification: Likely benign for Charcot-Marie-Tooth disease type 2. Last evaluated: 2024-08-11. Review status: criteria provided, single submitter. Criteria: Invitae Variant Classification Sherloc (09022015). Collection method: clinical testing. Allele origin: germline.

Blueprint Genetics
Classification: Likely benign. Last evaluated: 2018-10-23. Review status: criteria provided, single submitter. Criteria: ACMG Guidelines, 2015. Collection method: clinical testing. Allele origin: germline.

NM_001122955.4(BSCL2):c.404+10G>A

Genes: BSCL2 (BSCL2 lipid droplet biogenesis associated, seipin; minus strand), HNRNPUL2-BSCL2 (HNRNPUL2-BSCL2 readthrough (NMD candidate); minus strand). Cytogenetic location: 11q12.3.
Variant type: single nucleotide variant.
Coding change: c.404+10G>A on transcript NM_001122955.4 (MANE Select); 10 bases into the intron after coding-DNA position 404, G replaced by A.
Molecular consequence: intron variant.
Genome position (GRCh38, 1-based): chr11:62,705,291, C>T on the plus strand (G>A on the coding strand, the complement: BSCL2 is on the minus strand). VCF-style: chr11-62705291-C-T. GRCh37 (hg19) VCF-style: chr11-62472763-C-T.
Other names: c.212+10G>A (NM_001130702.2, NM_032667.6); c.404+10G>A (NM_001386028.1, NM_001386027.1, NM_001122955.3).
Identifiers: ClinVar variation 700270 (VCV000700270.12), dbSNP rs992580580, ClinGen allele CA223641410.